The following is an entry in ClinVar:

NM_002907.4(RECQL):c.137T>G (p.Ile46Arg)

Gene: RECQL (RecQ like helicase; minus strand). Cytogenetic location: 12p12.1.
Variant type: single nucleotide variant.
Coding change: c.137T>G on transcript NM_002907.4 (MANE Select); coding-DNA position 137, T replaced by G.
Protein change: p.Ile46Arg; replaces isoleucine 46 with arginine.
Molecular consequence: missense variant.
Genome position (GRCh38, 1-based): chr12:21,491,596, A>C on the plus strand (T>G on the coding strand, the complement: RECQL is on the minus strand). VCF-style: chr12-21491596-A-C. GRCh37 (hg19) VCF-style: chr12-21644530-A-C.
Other names: c.137T>G, p.Ile46Arg (NM_032941.3); short protein forms I46R.
Identifiers: ClinVar variation 1771266 (VCV001771266.3), dbSNP rs1591990137, ClinGen allele CA384134451.

ClinVar aggregate classification (germline): Uncertain significance (1 of 4 stars; one submission).

Allele frequency attached by ClinVar (database versions not stated): gnomAD exomes below 0.00001.
gnomAD v4.1: 2 of 1,611,300 alleles (0.00012%); highest among the groups gnomAD compares: Non-Finnish European, 0.00017%; no homozygotes.

Submission:

Ambry Genetics
Classification: Uncertain significance. Last evaluated: 2024-06-30. Review status: criteria provided, single submitter. Criteria: Ambry Variant Classification Scheme 2023. Collection method: clinical testing. Allele origin: germline.
Comment: The p.I46R variant (also known as c.137T>G), located in coding exon 2 of the RECQL gene, results from a T to G substitution at nucleotide position 137. The isoleucine at codon 46 is replaced by arginine, an amino acid with similar properties. This amino acid position is conserved. In addition, the in silico prediction for this alteration is inconclusive. Since supporting evidence is limited at this time, the clinical significance of this alteration remains unclear.